The following is an entry in ClinVar:

ClinVar aggregate classification (germline): Uncertain significance. Review status: criteria provided, multiple submitters, no conflicts (2 of 4 stars). 2 submissions from 2 submitters: Uncertain significance (2). Last evaluated 2022-11-17.

Conditions:
Emery-Dreifuss muscular dystrophy 5, autosomal dominant (EDMD5). Also called: EMERY-DREIFUSS MUSCULAR DYSTROPHY 5. Identifiers: Orphanet 261, MedGen C2751805, MONDO:0013072, OMIM 612999.

Allele frequency attached by ClinVar (database versions not stated): gnomAD 0.00001; TOPMed 0.00001.
gnomAD v4.1: 6 of 1,613,518 alleles (0.00037%); highest among the groups gnomAD compares: Non-Finnish European, 0.00051%; no homozygotes.

Submissions (2):

Ambry Genetics
Classification: Uncertain significance. Last evaluated: 2022-11-17. Review status: criteria provided, single submitter. Criteria: Ambry Variant Classification Scheme 2023. Collection method: clinical testing. Allele origin: germline.

Labcorp Genetics (formerly Invitae), Labcorp
Classification: Uncertain significance for Emery-Dreifuss muscular dystrophy 5, autosomal dominant. Last evaluated: 2022-09-19. Review status: criteria provided, single submitter. Criteria: Invitae Variant Classification Sherloc (09022015). Collection method: clinical testing. Allele origin: germline.
Comment: In summary, the available evidence is currently insufficient to determine the role of this variant in disease. Therefore, it has been classified as a Variant of Uncertain Significance. Algorithms developed to predict the effect of missense changes on protein structure and function are either unavailable or do not agree on the potential impact of this missense change (SIFT: "Tolerated"; PolyPhen-2: "Possibly Damaging"; Align-GVGD: "Class C0"). ClinVar contains an entry for this variant (Variation ID: 938247). This variant has not been reported in the literature in individuals affected with SYNE2-related conditions. This variant is present in population databases (no rsID available, gnomAD 0.007%). This sequence change replaces histidine, which is basic and polar, with asparagine, which is neutral and polar, at codon 5363 of the SYNE2 protein (p.His5363Asn).

NM_182914.3(SYNE2):c.16087C>A (p.His5363Asn)

Gene: SYNE2 (spectrin repeat containing nuclear envelope protein 2; plus strand). Cytogenetic location: 14q23.2.
Variant type: single nucleotide variant.
Coding change: c.16087C>A on transcript NM_182914.3 (MANE Select); coding-DNA position 16087, C replaced by A.
Protein change: p.His5363Asn; replaces histidine 5363 with asparagine.
Molecular consequence: missense variant.
Genome position (GRCh38, 1-based): chr14:64,159,435, C>A. VCF-style: chr14-64159435-C-A. GRCh37 (hg19) VCF-style: chr14-64626153-C-A.
Other names: c.16087C>A, p.His5363Asn (NM_015180.6); short protein forms H5363N.
Identifiers: ClinVar variation 938247 (VCV000938247.10), dbSNP rs1381652852, ClinGen allele CA389955664.